The following is an entry in ClinVar:

ClinVar aggregate classification (germline): Pathogenic (1 of 4 stars; one submission).

Submission:

Labcorp Genetics (formerly Invitae), Labcorp
Classification: Pathogenic. Last evaluated: 2020-12-05. Review status: criteria provided, single submitter. Criteria: Invitae Variant Classification Sherloc (09022015). Collection method: clinical testing. Allele origin: germline.
Comment: This sequence change creates a premature translational stop signal (p.Glu952Serfs*33) in the CDH23 gene. It is expected to result in an absent or disrupted protein product. Loss-of-function variants in CDH23 are known to be pathogenic (PMID: 11138009, 21940737). For these reasons, this variant has been classified as Pathogenic. This variant has not been reported in the literature in individuals with CDH23-related conditions. This variant is not present in population databases (ExAC no frequency).

Literature cited by the submitters: PubMed 11138009; PubMed 21940737.

NM_022124.6(CDH23):c.2853_2865del (p.Glu952fs)

Gene: CDH23 (cadherin related 23; plus strand). Cytogenetic location: 10q22.1.
Variant type: Deletion.
Coding change: c.2853_2865del on transcript NM_022124.6 (MANE Select); coding-DNA positions 2853 to 2865, 13 bases deleted (CGAGCTGGACCGC).
Protein change: p.Glu952fs; shifts the reading frame from glutamic acid 952.
Molecular consequence: frameshift variant.
Genome position (GRCh38, 1-based): chr10:71,705,030-71,705,042, CGAGCTGGACCGC deleted; deleting any 13 consecutive bases within chr10:71,705,029-71,705,042 gives the same sequence; the c. name uses the placement nearest the transcript's 3' end. VCF-style (leftmost placement, unchanged base first): chr10-71705028-ACCGAGCTGGACCG-A. GRCh37 (hg19) VCF-style: chr10-73464785-ACCGAGCTGGACCG-A.
Other names: c.2853_2865del, p.Glu952fs (NM_001171930.2, NM_001171931.2); short protein forms E952fs.
Identifiers: ClinVar variation 1355793 (VCV001355793.6), dbSNP rs2132740161, ClinGen allele CA2573145361.